The following is an entry in ClinVar:

NM_000342.3(SLC4A1):c.980C>G (p.Pro327Arg)

Gene: SLC4A1 (solute carrier family 4 member 1 (Diego blood group); minus strand). Cytogenetic location: 17q21.31.
Variant type: single nucleotide variant.
Coding change: c.980C>G on transcript NM_000342.3; coding-DNA position 980, C replaced by G.
Protein change: p.Pro327Arg; replaces proline 327 with arginine.
Molecular consequence: missense variant (on NM_000342.4).
Genome position (GRCh38, 1-based): chr17:44,258,520, G>C on the plus strand (C>G on the coding strand, the complement: SLC4A1 is on the minus strand). VCF-style: chr17-44258520-G-C. GRCh37 (hg19) VCF-style: chr17-42335888-G-C.
Other names: c.980C>G, p.Pro327Arg (NM_000342.4); short protein forms P327R.
Identifiers: ClinVar variation 17755 (VCV000017755.21), dbSNP rs28931583, ClinGen allele CA127374.

ClinVar aggregate classification (germline): Conflicting classifications of pathogenicity. Review status: criteria provided, conflicting classifications (1 of 4 stars). 6 submissions from 6 submitters: Uncertain significance (4); Likely benign (1). 1 of the submissions does not count toward it. Last evaluated 2025-12-22.

Conditions:
Hereditary spherocytosis type 4. Also called: SLC4A1-Related Spherocytosis. Identifiers: Orphanet 822, MedGen C2675212, MONDO:0012981, OMIM 612653.

Allele frequency attached by ClinVar (database versions not stated): 1000 Genomes Project 30x 0.00016; 1000 Genomes Project 0.00020; gnomAD exomes 0.00023; ExAC 0.00024; gnomAD 0.00054; TOPMed 0.00065.
gnomAD v4.1: 198 of 1,614,020 alleles (0.012%); highest among the groups gnomAD compares: African/African-American, 0.2%; no homozygotes.

Submissions (6):

Labcorp Genetics (formerly Invitae), Labcorp
Classification: Likely benign. Last evaluated: 2025-12-22. Review status: criteria provided, single submitter. Criteria: Invitae Variant Classification Sherloc (09022015). Collection method: clinical testing. Allele origin: germline.

GeneDx
Classification: Uncertain significance. Last evaluated: 2025-01-23. Review status: criteria provided, single submitter. Criteria: GeneDx Variant Classification Process June 2021. Collection method: clinical testing. Allele origin: germline. Affected: yes.
Comment: In silico analysis indicates that this missense variant does not alter protein structure/function; This variant is associated with the following publications: (PMID: 16411779, 21039340, 34426522, 31589614, 1378323, 36777185)

ARUP Laboratories, Molecular Genetics and Genomics, ARUP Laboratories
Classification: Uncertain significance. Last evaluated: 2024-03-08. Review status: criteria provided, single submitter. Criteria: ARUP Molecular Germline Variant Investigation Process 2024. Collection method: clinical testing. Allele origin: germline.

Revvity Omics, Revvity
Classification: Uncertain significance. Last evaluated: 2024-02-19. Review status: criteria provided, single submitter. Criteria: ACMG Guidelines, 2015. Collection method: clinical testing. Allele origin: germline.

Baylor Genetics
Classification: Uncertain significance for Hereditary spherocytosis type 4. Last evaluated: 2019-09-20. Review status: criteria provided, single submitter. Criteria: ACMG Guidelines, 2015. Collection method: clinical testing. Allele origin: unknown. Affected: yes.
Comment: This variant was determined to be of uncertain significance according to ACMG Guidelines, 2015 [PMID:25741868].

OMIM
Classification: Pathogenic for SPHEROCYTOSIS, TYPE 4, DUE TO BAND 3 TUSCALOOSA. Last evaluated: 1992-07-15. Review status: no assertion criteria provided. Collection method: literature only. Allele origin: germline. Not counted in ClinVar's aggregate classification.

Literature cited by the submitters: PubMed 1378323 (cited by OMIM).